The following is an entry in ClinVar:

NM_033100.4(CDHR1):c.240C>T (p.Val80=)

Gene: CDHR1 (cadherin related family member 1; plus strand). Cytogenetic location: 10q23.1.
Variant type: single nucleotide variant.
Coding change: c.240C>T on transcript NM_033100.4 (MANE Select); coding-DNA position 240, C replaced by T.
Protein change: p.Val80=; no amino-acid change (valine 80 retained).
Molecular consequence: synonymous variant.
Genome position (GRCh38, 1-based): chr10:84,196,593, C>T. VCF-style: chr10-84196593-C-T. GRCh37 (hg19) VCF-style: chr10-85956349-C-T.
Other names: c.240C>T, p.Val80= (NM_001171971.3).
Identifiers: ClinVar variation 262212 (VCV000262212.50), dbSNP rs11593005, ClinGen allele CA5579469.

ClinVar aggregate classification (germline): Benign/Likely benign. Review status: criteria provided, multiple submitters, no conflicts (2 of 4 stars). 5 submissions from 5 submitters: Benign (3); Likely benign (2). Last evaluated 2026-02-01.

Allele frequency attached by ClinVar (database versions not stated): 1000 Genomes Project 0.00459; 1000 Genomes Project 30x 0.00547; ExAC 0.00873; gnomAD 0.00931 and 0.00943; gnomAD exomes 0.00936; TOPMed 0.00968; ESP Exome Variant Server 0.01123.

Submissions (5):

Labcorp Genetics (formerly Invitae), Labcorp
Classification: Benign. Last evaluated: 2026-02-01. Review status: criteria provided, single submitter. Criteria: Invitae Variant Classification Sherloc (09022015). Collection method: clinical testing. Allele origin: germline.

CeGaT Center for Human Genetics Tuebingen
Classification: Benign. Last evaluated: 2024-02-01. Review status: criteria provided, single submitter. Criteria: CeGaT Center For Human Genetics Tuebingen Variant Classification Criteria Version 2. Collection method: clinical testing. Allele origin: germline. Affected: yes. Observed: 5 variant alleles.
Comment: CDHR1: BP4, BS1, BS2

ARUP Laboratories, Molecular Genetics and Genomics, ARUP Laboratories
Classification: Benign. Last evaluated: 2023-09-12. Review status: criteria provided, single submitter. Criteria: ARUP Molecular Germline Variant Investigation Process 2024. Collection method: clinical testing. Allele origin: germline.

GeneDx
Classification: Likely benign. Last evaluated: 2020-03-17. Review status: criteria provided, single submitter. Criteria: GeneDx Variant Classification Process June 2021. Collection method: clinical testing. Allele origin: germline. Affected: yes.

PreventionGenetics, part of Exact Sciences
Classification: Likely benign. Review status: criteria provided, single submitter. Criteria: ACMG Guidelines, 2015. Collection method: clinical testing. Allele origin: germline.